The following is an entry in ClinVar:

ClinVar aggregate classification (germline): Uncertain significance (1 of 4 stars; one submission).

Conditions:
Primary ciliary dyskinesia. Also called: Ciliary dyskinesia. Identifiers: Orphanet 244, MedGen C0008780, MONDO:0016575, HP:0012265.

gnomAD v4.1: 18 of 1,614,142 alleles (0.0011%); highest among the groups gnomAD compares: Admixed American, 0.013%; no homozygotes.

Submission:

Labcorp Genetics (formerly Invitae), Labcorp
Classification: Uncertain significance for Primary ciliary dyskinesia. Last evaluated: 2025-04-08. Review status: criteria provided, single submitter. Criteria: Invitae Variant Classification Sherloc (09022015). Collection method: clinical testing. Allele origin: germline.
Comment: This sequence change falls in intron 10 of the DNAI2 gene. It does not directly change the encoded amino acid sequence of the DNAI2 protein. It affects a nucleotide within the consensus splice site. This variant is present in population databases (rs557716808, gnomAD 0.02%). This variant has not been reported in the literature in individuals affected with DNAI2-related conditions. Variants that disrupt the consensus splice site are a relatively common cause of aberrant splicing (PMID: 17576681, 9536098). Algorithms developed to predict the effect of sequence changes on RNA splicing suggest that this variant is not likely to affect RNA splicing. In summary, the available evidence is currently insufficient to determine the role of this variant in disease. Therefore, it has been classified as a Variant of Uncertain Significance.

Literature cited by the submitters: PubMed 17576681; PubMed 9536098.

NM_023036.6(DNAI2):c.1347+5C>T

Gene: DNAI2 (dynein axonemal intermediate chain 2; plus strand). Cytogenetic location: 17q25.1.
Variant type: single nucleotide variant.
Coding change: c.1347+5C>T on transcript NM_023036.6 (MANE Select); 5 bases into the intron after coding-DNA position 1347, C replaced by T.
Molecular consequence: intron variant.
Genome position (GRCh38, 1-based): chr17:74,309,393, C>T. VCF-style: chr17-74309393-C-T. GRCh37 (hg19) VCF-style: chr17-72305532-C-T.
Other names: c.1347+5C>T (NM_001353167.2, NM_001172810.3).
Identifiers: ClinVar variation 4706646 (VCV004706646.1).